The following is an entry in ClinVar:

ClinVar aggregate classification (germline): Pathogenic. Review status: criteria provided, multiple submitters, no conflicts (2 of 4 stars). 4 submissions from 4 submitters: Pathogenic (3). 1 of the submissions does not count toward it. Last evaluated 2024-07-22.

Conditions:
Ovarian neoplasm. Also called: Neoplasm of ovary; Ovarian tumor; Ovarian Neoplasms. Identifiers: MedGen C0919267, MeSH D010051, MONDO:0021068, HP:0100615.
Hereditary cancer-predisposing syndrome. Also called: Hereditary neoplastic syndrome; Neoplastic Syndromes, Hereditary; Hereditary Cancer Syndrome; Tumor predisposition. Identifiers: Orphanet 140162, MedGen C0027672, MeSH D009386, MONDO:0015356.
Fanconi anemia complementation group O. Also called: RAD51C-Related Fanconi Anemia. Identifiers: Orphanet 84, MedGen C3150653, MONDO:0013248, OMIM 613390.
Breast-ovarian cancer, familial, susceptibility to, 3. Also called: RAD51C-Related Breast/Ovarian Cancer. Identifiers: Orphanet 145, MedGen C3150659, MONDO:0013253, OMIM 613399.

Submissions (4):

Ambry Genetics
Classification: Pathogenic for Hereditary cancer-predisposing syndrome. Last evaluated: 2024-07-22. Review status: criteria provided, single submitter. Criteria: Ambry Variant Classification Scheme 2023. Collection method: clinical testing. Allele origin: germline.
Comment: The p.E67* pathogenic mutation (also known as c.199G>T), located in coding exon 2 of the RAD51C gene, results from a G to T substitution at nucleotide position 199. This changes the amino acid from a glutamic acid to a stop codon within coding exon 2. This variant is considered to be rare based on population cohorts in the Genome Aggregation Database (gnomAD). This alteration is expected to result in loss of function by premature protein truncation or nonsense-mediated mRNA decay. As such, this alteration is interpreted as a disease-causing mutation.

Myriad Genetics, Inc.
Classification: Pathogenic for Breast-ovarian cancer, familial, susceptibility to, 3. Last evaluated: 2024-01-02. Review status: criteria provided, single submitter. Criteria: Myriad Autosomal Dominant, Autosomal Recessive and X-Linked Classification Criteria (2023). Collection method: clinical testing. Allele origin: unknown.
Comment: This variant is considered pathogenic. This variant creates a termination codon and is predicted to result in premature protein truncation.

Labcorp Genetics (formerly Invitae), Labcorp
Classification: Pathogenic for Fanconi anemia complementation group O. Last evaluated: 2023-09-20. Review status: criteria provided, single submitter. Criteria: Invitae Variant Classification Sherloc (09022015). Collection method: clinical testing. Allele origin: germline.
Comment: This sequence change creates a premature translational stop signal (p.Glu67*) in the RAD51C gene. It is expected to result in an absent or disrupted protein product. Loss-of-function variants in RAD51C are known to be pathogenic (PMID: 20400964, 21990120, 24800917, 29278735). This variant is not present in population databases (gnomAD no frequency). This variant has not been reported in the literature in individuals affected with RAD51C-related conditions. ClinVar contains an entry for this variant (Variation ID: 569830). For these reasons, this variant has been classified as Pathogenic.

German Consortium for Hereditary Breast and Ovarian Cancer, University Hospital Cologne
Classification: Pathogenic for Ovarian neoplasm. Last evaluated: 2018-12-01. Review status: no assertion criteria provided. Collection method: research. Allele origin: germline. Affected: yes. Not counted in ClinVar's aggregate classification.

Literature cited by the submitters: PubMed 20400964 (cited by Labcorp Genetics (formerly Invitae), Labcorp); PubMed 21990120 (cited by Labcorp Genetics (formerly Invitae), Labcorp); PubMed 24800917 (cited by Labcorp Genetics (formerly Invitae), Labcorp); PubMed 29278735 (cited by Labcorp Genetics (formerly Invitae), Labcorp).

NM_058216.3(RAD51C):c.199G>T (p.Glu67Ter)

Gene: RAD51C (RAD51 paralog C; plus strand). Cytogenetic location: 17q22.
Variant type: single nucleotide variant.
Coding change: c.199G>T on transcript NM_058216.3 (MANE Select); coding-DNA position 199, G replaced by T.
Protein change: p.Glu67Ter; replaces glutamic acid 67 with a stop codon.
Molecular consequence: nonsense. On other transcripts: non-coding transcript variant (2).
Genome position (GRCh38, 1-based): chr17:58,694,984, G>T. VCF-style: chr17-58694984-G-T. GRCh37 (hg19) VCF-style: chr17-56772345-G-T.
Other names: c.199G>T, p.Glu67Ter (NM_002876.4); short protein forms E67*.
Identifiers: ClinVar variation 569830 (VCV000569830.12), dbSNP rs1567785872, ClinGen allele CA400339967.